The following is an entry in ClinVar:

NM_001110556.2(FLNA):c.71G>C (p.Arg24Pro)

Gene: FLNA (filamin A; minus strand). Cytogenetic location: Xq28.
Variant type: single nucleotide variant.
Coding change: c.71G>C on transcript NM_001110556.2 (MANE Select); coding-DNA position 71, G replaced by C.
Protein change: p.Arg24Pro; replaces arginine 24 with proline.
Molecular consequence: missense variant.
Genome position (GRCh38, 1-based): chrX:154,371,175, C>G on the plus strand (G>C on the coding strand, the complement: FLNA is on the minus strand). VCF-style: chrX-154371175-C-G. GRCh37 (hg19) VCF-style: chrX-153599543-C-G.
Other names: c.71G>C, p.Arg24Pro (NM_001456.4); short protein forms R24P.
Identifiers: ClinVar variation 3757632 (VCV003757632.2).

ClinVar aggregate classification (germline): Uncertain significance (1 of 4 stars; one submission).

Conditions:
Melnick-Needles syndrome (MNS). Also called: MELNICK-NEEDLES OSTEODYSPLASTY; OSTEODYSPLASTY OF MELNICK AND NEEDLES; Melnick-Needles Syndrome (FLNA-MNS). Identifiers: Orphanet 2484, MedGen C0025237, MONDO:0010650, OMIM 309350.
Frontometaphyseal dysplasia (FMD1). Identifiers: Orphanet 1826, MedGen C0265293, MONDO:0015942.
Heterotopia, periventricular, X-linked dominant (PVNH1). Also called: PERIVENTRICULAR NODULAR HETEROTOPIA 1; X-linked periventricular heterotopia; PERIVENTRICULAR NODULAR HETEROTOPIA 4; HETEROTOPIA, PERIVENTRICULAR, 1. Identifiers: Orphanet 2149, Orphanet 82004, MedGen C1848213, MONDO:0010233, OMIM 300049.
Oto-palato-digital syndrome, type II (OPD2). Also called: FACIOPALATOOSSEOUS SYNDROME; OPD II SYNDROME; Otopalatodigital Syndrome, Type II; Otopalatodigital Syndrome Type 2 (FLNA-OPD2). Identifiers: Orphanet 669, Orphanet 90652, MedGen C1844696, MONDO:0010571, OMIM 304120.

gnomAD v4.1: 1 of 1,193,946 alleles (0.000084%); highest among the groups gnomAD compares: Non-Finnish European, 0.00011%; no homozygotes.

Submission:

Labcorp Genetics (formerly Invitae), Labcorp
Classification: Uncertain significance for Oto-palato-digital syndrome, type II; Heterotopia, periventricular, X-linked dominant; Frontometaphyseal dysplasia; Melnick-Needles syndrome. Last evaluated: 2024-06-18. Review status: criteria provided, single submitter. Criteria: Invitae Variant Classification Sherloc (09022015). Collection method: clinical testing. Allele origin: germline.
Comment: This sequence change replaces arginine, which is basic and polar, with proline, which is neutral and non-polar, at codon 24 of the FLNA protein (p.Arg24Pro). This variant is not present in population databases (gnomAD no frequency). This variant has not been reported in the literature in individuals affected with FLNA-related conditions. Advanced modeling of protein sequence and biophysical properties (such as structural, functional, and spatial information, amino acid conservation, physicochemical variation, residue mobility, and thermodynamic stability) performed at Invitae indicates that this missense variant is not expected to disrupt FLNA protein function with a negative predictive value of 95%. In summary, the available evidence is currently insufficient to determine the role of this variant in disease. Therefore, it has been classified as a Variant of Uncertain Significance.